The following is an entry in ClinVar:

NM_005228.5(EGFR):c.2947-9_2947-8del

Gene: EGFR (epidermal growth factor receptor; plus strand). Cytogenetic location: 7p11.2.
Variant type: Microsatellite.
Coding change: c.2947-9_2947-8del on transcript NM_005228.5 (MANE Select); 9 bases into the intron before coding-DNA position 2947 through 8 bases into the intron before coding-DNA position 2947, 2 bases deleted (CT; older notation c.2947-9_2947-8delCT).
Molecular consequence: intron variant.
Genome position (GRCh38, 1-based): chr7:55,201,179-55,201,180, CT deleted; deleting any 2 consecutive bases within chr7:55,201,176-55,201,180 gives the same sequence; the c. name uses the placement nearest the transcript's 3' end. VCF-style (leftmost placement, unchanged base first): chr7-55201175-ATC-A. GRCh37 (hg19) VCF-style: chr7-55268868-ATC-A.
Other names: c.2812-9_2812-8del (NM_001346899.2, NM_001346897.2); c.2146-9_2146-8del (NM_001346941.2); c.2947-9_2947-8del (NM_001346898.2); c.2788-9_2788-8del (NM_001346900.2).
Identifiers: ClinVar variation 1404563 (VCV001404563.6), dbSNP rs2128971423, ClinGen allele CA2580615891.

ClinVar aggregate classification (germline): Uncertain significance (1 of 4 stars; one submission).

Conditions:
EGFR-related lung cancer (EGFR). Identifiers: MedGen CN130014.

Submission:

Labcorp Genetics (formerly Invitae), Labcorp
Classification: Uncertain significance for EGFR-related lung cancer. Last evaluated: 2024-10-24. Review status: criteria provided, single submitter. Criteria: Invitae Variant Classification Sherloc (09022015). Collection method: clinical testing. Allele origin: germline.
Comment: This sequence change falls in intron 24 of the EGFR gene. It does not directly change the encoded amino acid sequence of the EGFR protein. This variant is not present in population databases (gnomAD no frequency). This variant has not been reported in the literature in individuals affected with EGFR-related conditions. Algorithms developed to predict the effect of sequence changes on RNA splicing suggest that this variant may disrupt the consensus splice site. In summary, the available evidence is currently insufficient to determine the role of this variant in disease. Therefore, it has been classified as a Variant of Uncertain Significance.